The following is an entry in ClinVar:

NM_000257.4(MYH7):c.2934G>A (p.Leu978=)

Gene: MYH7 (myosin heavy chain 7; minus strand). Cytogenetic location: 14q11.2.
Variant type: single nucleotide variant.
Coding change: c.2934G>A on transcript NM_000257.4 (MANE Select); coding-DNA position 2934, G replaced by A.
Protein change: p.Leu978=; no amino-acid change (leucine 978 retained).
Molecular consequence: synonymous variant.
Genome position (GRCh38, 1-based): chr14:23,423,712, C>T on the plus strand (G>A on the coding strand, the complement: MYH7 is on the minus strand). VCF-style: chr14-23423712-C-T. GRCh37 (hg19) VCF-style: chr14-23892921-C-T.
Other names: c.2934G>A, p.Leu978= (NM_001407004.1).
Identifiers: ClinVar variation 3070556 (VCV003070556.1), dbSNP rs1450353970, ClinGen allele CA485766614.
Genomic context (GRCh38, chr14:23,423,712, plus strand): 5'-AGCTTTCTTCTCCTTGGTCAGCTTGGCAATGATCTCATCCAGCCCAGCCATCTCCTCTGT[C>T]AGGTTTTTCACCTGCCGACCAAGAATCCCATCTCCTTTAGGGTCAAAGGTCACCAGCTTG-3'
Protein context (NP_000248.2, residues 968-988): KHATENKVKN[Leu978=]TEEMAGLDEI

ClinVar aggregate classification (germline): Likely benign (1 of 4 stars; one submission).

Conditions:
Cardiomyopathy (CMYO). Also called: Cardiomyopathies. Identifiers: Orphanet 167848, MedGen C0878544, MONDO:0004994, HP:0001638. Inheritance: Various modes of inheritance.

Submission:

All of Us Research Program, National Institutes of Health
Classification: Likely benign for Cardiomyopathy. Last evaluated: 2023-04-28. Review status: criteria provided, single submitter. Criteria: ACMG Guidelines, 2015. Collection method: clinical testing. Allele origin: germline. Inheritance: Autosomal dominant inheritance. Observed: 1 variant allele, 1 heterozygote.
Comment: This study involves interpretation of variants in research participants for the purpose of population health screening. Participant phenotype was not available at the time of variant classification. Additional details can be found in publication PMID: 35346344, PMCID: PMC8962531